The following is an entry in ClinVar:

ClinVar aggregate classification (germline): Likely benign. Review status: criteria provided, multiple submitters, no conflicts (2 of 4 stars). 2 submissions from 2 submitters: Likely benign (2). Last evaluated 2025-03-11.

Conditions:
Familial sleep-related hypermotor epilepsy. Also called: Autosomal Dominant Sleep-Related Hypermotor (Hyperkinetic) Epilepsy. Identifiers: Orphanet 98784, MedGen C3696898, MONDO:0000030.

Allele frequency attached by ClinVar (database versions not stated): TOPMed 0.00002; gnomAD exomes 0.00001 and 0.00002; ExAC 0.00002.
gnomAD v4.1: 13 of 1,612,786 alleles (0.00081%); highest among the groups gnomAD compares: South Asian, 0.0011%; no homozygotes.

Submissions (2):

Labcorp Genetics (formerly Invitae), Labcorp
Classification: Likely benign. Last evaluated: 2025-03-11. Review status: criteria provided, single submitter. Criteria: Invitae Variant Classification Sherloc (09022015). Collection method: clinical testing. Allele origin: germline.

GeneDx
Classification: Likely benign. Last evaluated: 2017-09-25. Review status: criteria provided, single submitter. Criteria: GeneDx Variant Classification (06012015). Collection method: clinical testing. Allele origin: germline. Affected: yes.
Comment: This variant is considered likely benign or benign based on one or more of the following criteria: it is a conservative change, it occurs at a poorly conserved position in the protein, it is predicted to be benign by multiple in silico algorithms, and/or has population frequency not consistent with disease.

NM_000744.7(CHRNA4):c.1119G>A (p.Glu373=)

Gene: CHRNA4 (cholinergic receptor nicotinic alpha 4 subunit; minus strand). Cytogenetic location: 20q13.33.
Variant type: single nucleotide variant.
Coding change: c.1119G>A on transcript NM_000744.7 (MANE Select); coding-DNA position 1119, G replaced by A.
Protein change: p.Glu373=; no amino-acid change (glutamic acid 373 retained).
Molecular consequence: synonymous variant. On other transcripts: non-coding transcript variant (1).
Genome position (GRCh38, 1-based): chr20:63,350,292, C>T on the plus strand (G>A on the coding strand, the complement: CHRNA4 is on the minus strand). VCF-style: chr20-63350292-C-T. GRCh37 (hg19) VCF-style: chr20-61981644-C-T.
Other names: c.591G>A, p.Glu197= (NM_001256573.2).
Identifiers: ClinVar variation 512182 (VCV000512182.2), dbSNP rs201845913, ClinGen allele CA9957652.